The following is an entry in ClinVar:

ClinVar aggregate classification (germline): Pathogenic (1 of 4 stars; one submission).

Conditions:
Hereditary angioedema type 1 (HAE1). Identifiers: Orphanet 100050, Orphanet 100051, Orphanet 91378, MedGen C2717906, MONDO:0015053, OMIM 106100.

Submission:

DNA-diagnostics Laboratory, Research Centre For Medical Genetics
Classification: Pathogenic for Hereditary angioedema type 1. Last evaluated: 2024-08-10. Review status: criteria provided, single submitter. Criteria: ACMG Guidelines, 2015. Collection method: research. Allele origin: germline. Inheritance: Autosomal dominant inheritance. Affected: yes. Observed: 1 heterozygote.
Comment: The pathogenic or likely pathogenic SERPING1 gene variants are detected in >90% of the HAE1/2 families and in >80% of the total HAE families (e.g., DOI: 10.1016/j.molimm.2008.05.007, 10.1159/2F000138883, 10.1016/j.molimm.2011.07.010). Across all SERPING1 gene exons, about 50% of the pathogenic or likely pathogenic variants associated with HAE are LoF (173/297 in ClinVar or 292/596 in HGMD 2022.1). According to our observation the c.6_13del variant in SERPING1 meets ACMG/ClinGen SVI guidance criteria to be classified as pathogenic: PVS1, PP4_Mod, PM2_Sup

NM_000062.3(SERPING1):c.6_13del (p.Ser3fs)

Gene: SERPING1 (serpin family G member 1; plus strand). Cytogenetic location: 11q12.1.
Variant type: Deletion.
Coding change: c.6_13del on transcript NM_000062.3 (MANE Select); coding-DNA positions 6 to 13, 8 bases deleted (CTCCAGGC; older notation c.6_13delCTCCAGGC).
Protein change: p.Ser3fs; shifts the reading frame from serine 3.
Molecular consequence: frameshift variant, initiator codon variant.
Genome position (GRCh38, 1-based): chr11:57,598,276-57,598,283, CTCCAGGC deleted; deleting any 8 consecutive bases within chr11:57,598,273-57,598,283 gives the same sequence; the c. name uses the placement nearest the transcript's 3' end. VCF-style (leftmost placement, unchanged base first): chr11-57598272-TGGCCTCCA-T. GRCh37 (hg19) VCF-style: chr11-57365745-TGGCCTCCA-T.
Other names: c.6_13del, p.Ser3fs (NM_001032295.2); short protein forms S3fs.
Identifiers: ClinVar variation 3336827 (VCV003336827.2).